The following is an entry in ClinVar:

ClinVar aggregate classification (germline): Uncertain significance (1 of 4 stars; one submission).

Submission:

CeGaT Center for Human Genetics Tuebingen
Classification: Uncertain significance. Last evaluated: 2023-03-01. Review status: criteria provided, single submitter. Criteria: CeGaT Center For Human Genetics Tuebingen Variant Classification Criteria Version 2. Collection method: clinical testing. Allele origin: germline. Affected: yes. Observed: 1 variant allele.
Comment: SLC33A1: PM2, PP3

NM_004733.4(SLC33A1):c.353C>T (p.Pro118Leu)

Gene: SLC33A1 (solute carrier family 33 member 1; minus strand). Cytogenetic location: 3q25.31.
Variant type: single nucleotide variant.
Coding change: c.353C>T on transcript NM_004733.4 (MANE Select); coding-DNA position 353, C replaced by T.
Protein change: p.Pro118Leu; replaces proline 118 with leucine.
Molecular consequence: missense variant.
Genome position (GRCh38, 1-based): chr3:155,853,645, G>A on the plus strand (C>T on the coding strand, the complement: SLC33A1 is on the minus strand). VCF-style: chr3-155853645-G-A. GRCh37 (hg19) VCF-style: chr3-155571434-G-A.
Other names: c.353C>T, p.Pro118Leu (NM_001190992.2, NM_001363883.1); short protein forms P118L.
Identifiers: ClinVar variation 2654252 (VCV002654252.24), dbSNP rs1753504839, ClinGen allele CA355143802.